The following is an entry in ClinVar:

ClinVar aggregate classification (germline): Uncertain significance (1 of 4 stars; one submission).

Conditions:
Familial adenomatous polyposis 1 (FAP1). Also called: FAMILIAL ADENOMATOUS POLYPOSIS 1, ATTENUATED; POLYPOSIS, ADENOMATOUS INTESTINAL. Identifiers: MedGen C2713442, MONDO:0021056, OMIM 175100. Disease mechanism: loss of function.

Submission:

Labcorp Genetics (formerly Invitae), Labcorp
Classification: Uncertain significance for Familial adenomatous polyposis 1. Last evaluated: 2022-01-26. Review status: criteria provided, single submitter. Criteria: Invitae Variant Classification Sherloc (09022015). Collection method: clinical testing. Allele origin: germline.
Comment: This sequence change replaces serine, which is neutral and polar, with alanine, which is neutral and non-polar, at codon 2556 of the APC protein (p.Ser2556Ala). This variant is not present in population databases (gnomAD no frequency). This variant has not been reported in the literature in individuals affected with APC-related conditions. Algorithms developed to predict the effect of missense changes on protein structure and function (SIFT, PolyPhen-2, Align-GVGD) all suggest that this variant is likely to be disruptive. In summary, the available evidence is currently insufficient to determine the role of this variant in disease. Therefore, it has been classified as a Variant of Uncertain Significance.

NM_000038.6(APC):c.7666T>G (p.Ser2556Ala)

Gene: APC (APC regulator of Wnt signaling pathway; plus strand). Cytogenetic location: 5q22.2.
Variant type: single nucleotide variant.
Coding change: c.7666T>G on transcript NM_000038.6 (MANE Select); coding-DNA position 7666, T replaced by G.
Protein change: p.Ser2556Ala; replaces serine 2556 with alanine.
Molecular consequence: missense variant.
Genome position (GRCh38, 1-based): chr5:112,843,260, T>G. VCF-style: chr5-112843260-T-G. GRCh37 (hg19) VCF-style: chr5-112178957-T-G.
Other names: c.7666T>G, p.Ser2556Ala (NM_001127510.3, NM_001354895.2); c.7612T>G, p.Ser2538Ala (NM_001127511.3); c.7720T>G, p.Ser2574Ala (NM_001354896.2); c.7696T>G, p.Ser2566Ala (NM_001354897.2); c.7591T>G, p.Ser2531Ala (NM_001354898.2); c.7582T>G, p.Ser2528Ala (NM_001354899.2); c.7543T>G, p.Ser2515Ala (NM_001354900.2); c.7489T>G, p.Ser2497Ala (NM_001354901.2); and 5 more; short protein forms S2273A, S2396A, S2497A, S2574A, S2430A, S2465A, S2538A, S2515A.
Identifiers: ClinVar variation 1496440 (VCV001496440.8), dbSNP rs1766537037, ClinGen allele CA16037987.